The following is an entry in ClinVar:

ClinVar aggregate classification (germline): Pathogenic. Review status: criteria provided, single submitter (1 of 4 stars). 2 submissions from 2 submitters: Pathogenic (1). 1 of the submissions does not count toward it. Last evaluated 2026-03-19.

Conditions:
Intellectual developmental disorder, autosomal dominant 46. Also called: MENTAL RETARDATION, AUTOSOMAL DOMINANT 46; Intellectual disability, autosomal dominant 46. Identifiers: MedGen C4539851, MONDO:0030911, OMIM 617601.
Inborn genetic diseases. Identifiers: MedGen C0950123, MeSH D030342.

Submissions (2):

Ambry Genetics
Classification: Pathogenic for Inborn genetic diseases. Last evaluated: 2026-03-19. Review status: criteria provided, single submitter. Criteria: Ambry Variant Classification Scheme 2023. Collection method: clinical testing. Allele origin: germline.
Comment: The c.434T>G (p.V145G) alteration is located in exon 2 (coding exon 2) of the KCNQ5 gene. This alteration results from a T to G substitution at nucleotide position 434, causing the valine (V) at amino acid position 145 to be replaced by a glycine (G). This variant was not reported in population-based cohorts in the Genome Aggregation Database (gnomAD). This variant was determined to be de novo in at least one individual with features consistent with KCNQ5-related neurodevelopmental disorder (Lehman, 2017). This amino acid position is highly conserved in available vertebrate species. This missense variant is located in a region that has a low rate of benign missense variation (Lek, 2016; Firth, 2009). This alteration is predicted to be deleterious by in silico analysis. Based on the available evidence, this alteration is classified as pathogenic.

OMIM
Classification: Pathogenic for INTELLECTUAL DEVELOPMENTAL DISORDER, AUTOSOMAL DOMINANT 46. Last evaluated: 2022-04-26. Review status: no assertion criteria provided. Collection method: literature only. Allele origin: germline. Not counted in ClinVar's aggregate classification.

Literature cited by the submitters: PubMed 28669405 (cited by Ambry Genetics and OMIM).

NM_019842.4(KCNQ5):c.434T>G (p.Val145Gly)

Gene: KCNQ5 (potassium voltage-gated channel subfamily Q member 5; plus strand). Cytogenetic location: 6q13.
Variant type: single nucleotide variant.
Coding change: c.434T>G on transcript NM_019842.4 (MANE Select); coding-DNA position 434, T replaced by G.
Protein change: p.Val145Gly; replaces valine 145 with glycine.
Molecular consequence: missense variant.
Genome position (GRCh38, 1-based): chr6:73,003,943, T>G. VCF-style: chr6-73003943-T-G. GRCh37 (hg19) VCF-style: chr6-73713666-T-G.
Other names: c.434T>G, p.Val145Gly (NM_001160130.2, NM_001160132.2, NM_001160133.2 and 1 more transcripts); short protein forms V145G.
Identifiers: ClinVar variation 431385 (VCV000431385.3), dbSNP rs1135401955, ClinGen allele CA364824917.